The following is an entry in ClinVar:

NM_001195305.3(BBIP1):c.252A>G (p.Glu84=)

Gene: BBIP1 (BBSome interacting protein 1; minus strand). Cytogenetic location: 10q25.2.
Variant type: single nucleotide variant.
Coding change: c.252A>G on transcript NM_001195305.3 (MANE Select); coding-DNA position 252, A replaced by G.
Protein change: p.Glu84=; no amino-acid change (glutamic acid 84 retained).
Molecular consequence: synonymous variant. On other transcripts: 3 prime UTR variant (1).
Genome position (GRCh38, 1-based): chr10:110,900,387, T>C on the plus strand (A>G on the coding strand, the complement: BBIP1 is on the minus strand). VCF-style: chr10-110900387-T-C. GRCh37 (hg19) VCF-style: chr10-112660145-T-C.
Other names: c.*97A>G (NM_001195304.2); c.252A>G, p.Glu84= (NM_001195306.2); c.177A>G, p.Glu59= (NM_001195307.2); c.186A>G, p.Glu62= (NM_001243783.3).
Identifiers: ClinVar variation 4993957 (VCV004993957.1).

ClinVar aggregate classification (germline): Likely benign (1 of 4 stars; one submission).

Conditions:
BBIP1-related disorder. Also called: BBIP1-related condition.

Submission:

PreventionGenetics, part of Exact Sciences
Classification: Likely benign for BBIP1-related condition. Last evaluated: 2025-11-19. Review status: criteria provided, single submitter. Criteria: ACMG Guidelines, 2015. Collection method: clinical testing. Allele origin: germline.
Comment: This variant is classified as likely benign based on ACMG/AMP sequence variant interpretation guidelines (Richards et al. 2015 PMID: 25741868, with internal and published modifications).